The following is an entry in ClinVar:

NM_016955.4(SEPSECS):c.24_34dup (p.Leu12fs)

Gene: SEPSECS (Sep (O-phosphoserine) tRNA:Sec (selenocysteine) tRNA synthase; minus strand). Cytogenetic location: 4p15.2.
Variant type: Duplication.
Coding change: c.24_34dup on transcript NM_016955.4 (MANE Select); coding-DNA positions 24 to 34, 11 bases duplicated (GGGAGAGCGGC).
Protein change: p.Leu12fs; shifts the reading frame from leucine 12.
Molecular consequence: frameshift variant.
Genome position (GRCh38, 1-based): chr4:25,160,336-25,160,346, GCCGCTCTCCC duplicated on the plus strand (GGGAGAGCGGC on the coding strand, the reverse complement: SEPSECS is on the minus strand); duplicating any 11 consecutive bases within chr4:25,160,336-25,160,351 gives the same sequence; the c. name uses the placement nearest the transcript's 3' end. VCF-style (leftmost placement, unchanged base first): chr4-25160335-A-AGCCGCTCTCCC. GRCh37 (hg19) VCF-style: chr4-25161957-A-AGCCGCTCTCCC.
Other names: c.24_34dup, p.Leu12fs (NM_001410714.1); short protein forms L12fs.
Identifiers: ClinVar variation 5004215 (VCV005004215.1).

ClinVar aggregate classification (germline): Pathogenic (1 of 4 stars; one submission).

Conditions:
Pontocerebellar hypoplasia type 2D (PCH2D). Also called: Progressive cerebello-cerebral atrophy. Identifiers: Orphanet 247198, Orphanet 2524, MedGen C3151140, MONDO:0013438, OMIM 613811.

Submission:

Myriad Genetics, Inc.
Classification: Pathogenic for Pontocerebellar hypoplasia type 2D. Last evaluated: 2025-10-10. Review status: criteria provided, single submitter. Criteria: Myriad Autosomal Dominant, Autosomal Recessive and X-Linked Classification Criteria (2023). Collection method: clinical testing. Allele origin: unknown.
Comment: NM_016955.3(SEPSECS):c.24_34dup11(L12Rfs*60) is a frameshift variant classified as pathogenic in the context of pontocerebellar hypoplasia, SEPSECS-related. L12Rfs*60 has not been observed in cases with relevant disease. Relevant functional assessments of this variant are not available in the literature. L12Rfs*60 has not been observed in referenced population frequency databases. In summary, NM_016955.3(SEPSECS):c.24_34dup11(L12Rfs*60) is a frameshift variant in a gene where loss of function is a known mechanism of disease and is predicted to disrupt protein function. Please note: this variant was assessed in the context of healthy population screening.